The following is an entry in ClinVar:

ClinVar aggregate classification (germline): Likely pathogenic (1 of 4 stars; one submission).

gnomAD v4.1: 1 of 1,613,904 alleles (0.000062%); highest among the groups gnomAD compares: Non-Finnish European, 0.000085%; no homozygotes.

Submission:

GeneDx
Classification: Likely pathogenic. Last evaluated: 2025-05-23. Review status: criteria provided, single submitter. Criteria: GeneDx Variant Classification Process June 2021. Collection method: clinical testing. Allele origin: germline. Affected: yes.
Comment: Identified in trans with a second MFN2 variant in an adult with progressive sensorimotor neuropathy (PMID: 26306937); Nonsense variant predicted to result in protein truncation or nonsense mediated decay in a gene for which loss of function is a known mechanism of disease; Not observed at significant frequency in large population cohorts (gnomAD); This variant is associated with the following publications: (PMID: 26306937)

NM_014874.4(MFN2):c.1426C>T (p.Arg476Ter)

Gene: MFN2 (mitofusin 2; plus strand). Cytogenetic location: 1p36.22.
Variant type: single nucleotide variant.
Coding change: c.1426C>T on transcript NM_014874.4 (MANE Select); coding-DNA position 1426, C replaced by T.
Protein change: p.Arg476Ter; replaces arginine 476 with a stop codon.
Molecular consequence: nonsense.
Genome position (GRCh38, 1-based): chr1:12,004,858, C>T. VCF-style: chr1-12004858-C-T. GRCh37 (hg19) VCF-style: chr1-12064915-C-T.
Other names: c.1426C>T, p.Arg476Ter (NM_001127660.2); short protein forms R476*.
Identifiers: ClinVar variation 4530780 (VCV004530780.1).